The following is an entry in ClinVar:

ClinVar aggregate classification (germline): Conflicting classifications of pathogenicity. Review status: criteria provided, conflicting classifications (1 of 4 stars). 4 submissions from 4 submitters: Uncertain significance (3); Likely benign (1). Last evaluated 2025-11-11.

Conditions:
Arrhythmogenic cardiomyopathy with wooly hair and keratoderma. Also called: PALMOPLANTAR KERATODERMA WITH LEFT VENTRICULAR CARDIOMYOPATHY AND WOOLLY HAIR; Arrhythmogenic cardiomyopathy with woolly hair and keratoderma; Dilated cardiomyopathy with woolly hair and keratoderma; Carvajal syndrome. Identifiers: Orphanet 65282, MedGen C1854063, MONDO:0011581, OMIM 605676.
Arrhythmogenic right ventricular dysplasia 8 (ARVD8). Also called: ARRHYTHMOGENIC RIGHT VENTRICULAR CARDIOMYOPATHY 8; ARRHYTHMOGENIC RIGHT VENTRICULAR DYSPLASIA, FAMILIAL, 8; Arrhythmogenic Right Ventricular Dysplasia/Cardiomyopathy 8. Identifiers: MedGen C1843896, MONDO:0011831, OMIM 607450.
Cardiovascular phenotype. Identifiers: MedGen CN230736.
Cardiomyopathy (CMYO). Also called: Cardiomyopathies. Identifiers: Orphanet 167848, MedGen C0878544, MONDO:0004994, HP:0001638. Inheritance: Various modes of inheritance.

Allele frequency attached by ClinVar (database versions not stated): ExAC 0.00002; gnomAD 0.00002 and 0.00004; TOPMed 0.00003; ESP Exome Variant Server 0.00008.
gnomAD v4.1: 6 of 1,614,070 alleles (0.00037%); highest among the groups gnomAD compares: African/African-American, 0.008%; no homozygotes.

Submissions (4):

Labcorp Genetics (formerly Invitae), Labcorp
Classification: Likely benign for Arrhythmogenic cardiomyopathy with wooly hair and keratoderma; Arrhythmogenic right ventricular dysplasia 8. Last evaluated: 2025-11-11. Review status: criteria provided, single submitter. Criteria: Invitae Variant Classification Sherloc (09022015). Collection method: clinical testing. Allele origin: germline.

All of Us Research Program, National Institutes of Health
Classification: Uncertain significance for Arrhythmogenic cardiomyopathy with wooly hair and keratoderma. Last evaluated: 2024-03-24. Review status: criteria provided, single submitter. Criteria: ACMG Guidelines, 2015. Collection method: clinical testing. Allele origin: germline. Inheritance: Autosomal dominant inheritance. Observed: 4 variant alleles, 4 heterozygotes.
Comment: This missense variant replaces valine with leucine at codon 2737 of the DSP protein. Computational prediction suggests that this variant may not impact protein structure and function (internally defined REVEL score threshold <= 0.5, PMID: 27666373). To our knowledge, functional studies have not been reported for this variant. This variant has not been reported in individuals affected with DSP-related disorders in the literature. This variant has been identified in 2/251438 chromosomes in the general population by the Genome Aggregation Database (gnomAD). The available evidence is insufficient to determine the role of this variant in disease conclusively. Therefore, this variant is classified as a Variant of Uncertain Significance.

This study involves interpretation of variants in research participants for the purpose of population health screening. Participant phenotype was not available at the time of variant classification. Additional details can be found in publication PMID: 35346344, PMCID: PMC8962531

Color Diagnostics, LLC DBA Color Health
Classification: Uncertain significance for Cardiomyopathy. Last evaluated: 2024-03-06. Review status: criteria provided, single submitter. Criteria: ACMG Guidelines, 2015. Collection method: clinical testing. Allele origin: germline.
Comment: This missense variant replaces valine with leucine at codon 2737 of the DSP protein. Computational prediction suggests that this variant may not impact protein structure and function. To our knowledge, functional studies have not been reported for this variant. This variant has not been reported in individuals affected with DSP-related disorders in the literature. This variant has been identified in 2/251438 chromosomes in the general population by the Genome Aggregation Database (gnomAD). The available evidence is insufficient to determine the role of this variant in disease conclusively. Therefore, this variant is classified as a Variant of Uncertain Significance.

Ambry Genetics
Classification: Uncertain significance for Cardiovascular phenotype. Last evaluated: 2017-06-16. Review status: criteria provided, single submitter. Criteria: Ambry Variant Classification Scheme 2023. Collection method: clinical testing. Allele origin: germline.
Comment: The p.V2737L variant (also known as c.8209G>C), located in coding exon 24 of the DSP gene, results from a G to C substitution at nucleotide position 8209. The valine at codon 2737 is replaced by leucine, an amino acid with highly similar properties. This amino acid position is not well conserved in available vertebrate species. In addition, this alteration is predicted to be tolerated by in silico analysis. Since supporting evidence is limited at this time, the clinical significance of this alteration remains unclear.

NM_004415.4(DSP):c.8209G>C (p.Val2737Leu)

Gene: DSP (desmoplakin; plus strand). Cytogenetic location: 6p24.3.
Variant type: single nucleotide variant.
Coding change: c.8209G>C on transcript NM_004415.4 (MANE Select); coding-DNA position 8209, G replaced by C.
Protein change: p.Val2737Leu; replaces valine 2737 with leucine.
Molecular consequence: missense variant.
Genome position (GRCh38, 1-based): chr6:7,585,471, G>C. VCF-style: chr6-7585471-G-C. GRCh37 (hg19) VCF-style: chr6-7585704-G-C.
Other names: c.8209G>C (LRG_423t1); c.6412G>C, p.Val2138Leu (NM_001008844.3); c.6880G>C, p.Val2294Leu (NM_001319034.2); short protein forms V2737L, V2138L, V2294L.
Identifiers: ClinVar variation 518480 (VCV000518480.16), dbSNP rs149123428, ClinGen allele CA051765.
Genomic context (GRCh38, chr6:7,585,471, plus strand): 5'-TGGCTCCCGTATGAGGCTGGCCAGCGCTTCCTGGAGTTCCAGTACCTCACGGGAGGTCTT[G>C]TTGACCCGGAAGTGCATGGGAGGATAAGCACCGAAGAAGCCATCCGGAAGGGGTTCATAG-3'
Protein context (NP_004406.2, residues 2727-2747): LEFQYLTGGL[Val2737Leu]DPEVHGRIST